The following is an entry in ClinVar:

NM_004448.4(ERBB2):c.1567C>T (p.Pro523Ser)

Gene: ERBB2 (erb-b2 receptor tyrosine kinase 2; plus strand). Cytogenetic location: 17q12.
Variant type: single nucleotide variant.
Coding change: c.1567C>T on transcript NM_004448.4 (MANE Select); coding-DNA position 1567, C replaced by T.
Protein change: p.Pro523Ser; replaces proline 523 with serine.
Molecular consequence: missense variant. On other transcripts: non-coding transcript variant (1), intron variant (1).
Genome position (GRCh38, 1-based): chr17:39,716,354, C>T. VCF-style: chr17-39716354-C-T. GRCh37 (hg19) VCF-style: chr17-37872607-C-T.
Other names: c.1477C>T, p.Pro493Ser (NM_001005862.3, NM_001289938.2, NM_001382782.1 and 1 more transcripts); c.1522C>T, p.Pro508Ser (NM_001289936.2); c.1567C>T, p.Pro523Ser (NM_001289937.2, NM_001382785.1, NM_001382790.1 and 11 more transcripts); c.1684C>T, p.Pro562Ser (NM_001382784.1, NM_001382786.1); c.1642C>T, p.Pro548Ser (NM_001382787.1); c.1597C>T, p.Pro533Ser (NM_001382788.1); c.1588C>T, p.Pro530Ser (NM_001382789.1); c.1558C>T, p.Pro520Ser (NM_001382791.1); and 4 more; short protein forms P437S, P463S, P508S, P520S, P530S, P533S, P548S, P247S.
Identifiers: ClinVar variation 965272 (VCV000965272.7), dbSNP rs202202058, ClinGen allele CA8534022.
Genomic context (GRCh38, chr17:39,716,354, plus strand): 5'-ACTGCAGTGGGCGAGGGCCTGGCCTGCCACCAGCTGTGCGCCCGAGGGCACTGCTGGGGT[C>T]CAGGGCCCACCCAGTGTGTCAACTGCAGCCAGTTCCTTCGGGGCCAGGAGTGCGTGGAGG-3'
Protein context (NP_004439.2, residues 513-533): QLCARGHCWG[Pro523Ser]GPTQCVNCSQ

ClinVar aggregate classification (germline): Uncertain significance (1 of 4 stars; one submission).

Allele frequency attached by ClinVar (database versions not stated): ESP Exome Variant Server 0.00015; gnomAD exomes 0.00015; ExAC 0.00020; gnomAD 0.00022 and 0.00024; TOPMed 0.00022.
gnomAD v4.1: 633 of 1,608,760 alleles (0.039%); highest among the groups gnomAD compares: Non-Finnish European, 0.052%; no homozygotes.

Submission:

Labcorp Genetics (formerly Invitae), Labcorp
Classification: Uncertain significance. Last evaluated: 2025-09-15. Review status: criteria provided, single submitter. Criteria: Invitae Variant Classification Sherloc (09022015). Collection method: clinical testing. Allele origin: germline.
Comment: This sequence change replaces proline, which is neutral and non-polar, with serine, which is neutral and polar, at codon 523 of the ERBB2 protein (p.Pro523Ser). This variant is present in population databases (rs202202058, gnomAD 0.03%). This variant has not been reported in the literature in individuals affected with ERBB2-related conditions. ClinVar contains an entry for this variant (Variation ID: 965272). Invitae Evidence Modeling of protein sequence and biophysical properties (such as structural, functional, and spatial information, amino acid conservation, physicochemical variation, residue mobility, and thermodynamic stability) indicates that this missense variant is not expected to disrupt ERBB2 protein function with a negative predictive value of 80%. In summary, the available evidence is currently insufficient to determine the role of this variant in disease. Therefore, it has been classified as a Variant of Uncertain Significance.